The following is an entry in ClinVar:

NM_003076.5(SMARCD1):c.417A>G (p.Glu139=)

Gene: SMARCD1 (SWI/SNF related BAF chromatin remodeling complex subunit D1; plus strand). Cytogenetic location: 12q13.12.
Variant type: single nucleotide variant.
Coding change: c.417A>G on transcript NM_003076.5 (MANE Select); coding-DNA position 417, A replaced by G.
Protein change: p.Glu139=; no amino-acid change (glutamic acid 139 retained).
Molecular consequence: synonymous variant.
Genome position (GRCh38, 1-based): chr12:50,086,764, A>G. VCF-style: chr12-50086764-A-G. GRCh37 (hg19) VCF-style: chr12-50480547-A-G.
Other names: c.417A>G, p.Glu139= (NM_139071.3).
Identifiers: ClinVar variation 4875278 (VCV004875278.2).

ClinVar aggregate classification (germline): Likely benign (1 of 4 stars; one submission).

gnomAD v4.1: 24 of 1,613,990 alleles (0.0015%); highest among the groups gnomAD compares: Admixed American, 0.035%; no homozygotes.

Submission:

CeGaT Center for Human Genetics Tuebingen
Classification: Likely benign. Last evaluated: 2026-06-01. Review status: criteria provided, single submitter. Criteria: CeGaT Center For Human Genetics Tuebingen Variant Classification Criteria Version 2. Collection method: clinical testing. Allele origin: germline. Affected: yes. Observed: 1 variant allele.
Comment: SMARCD1: BP4, BP7